The following is an entry in ClinVar:

NM_001267550.2(TTN):c.64885G>T (p.Glu21629Ter)

Genes: TTN (titin; minus strand), TTN-AS1 (TTN antisense RNA 1; plus strand). Cytogenetic location: 2q31.2.
Variant type: single nucleotide variant.
Coding change: c.64885G>T on transcript NM_001267550.2 (MANE Select); coding-DNA position 64885, G replaced by T.
Protein change: p.Glu21629Ter; replaces glutamic acid 21629 with a stop codon.
Molecular consequence: nonsense. On other transcripts: non-coding transcript variant (1).
Genome position (GRCh38, 1-based): chr2:178,584,756, C>A on the plus strand (G>T on the coding strand, the complement: TTN is on the minus strand). VCF-style: chr2-178584756-C-A. GRCh37 (hg19) VCF-style: chr2-179449483-C-A.
Other names: c.59962G>T, p.Glu19988Ter (NM_001256850.1); c.37690G>T, p.Glu12564Ter (NM_003319.4); c.57181G>T, p.Glu19061Ter (NM_133378.4); c.38065G>T, p.Glu12689Ter (NM_133432.3); c.38266G>T, p.Glu12756Ter (NM_133437.4); short protein forms E12564*, E19061*, E19988*, E12689*, E21629*, E12756*.
Identifiers: ClinVar variation 4615308 (VCV004615308.1).

ClinVar aggregate classification (germline): Likely pathogenic (1 of 4 stars; one submission).

Conditions:
Cardiovascular phenotype. Identifiers: MedGen CN230736.

Submission:

Ambry Genetics
Classification: Likely pathogenic for Cardiovascular phenotype. Last evaluated: 2025-09-26. Review status: criteria provided, single submitter. Criteria: Ambry Variant Classification Scheme 2023. Collection method: clinical testing. Allele origin: germline.
Comment: The p.E12564* variant (also known as c.37690G>T), located in coding exon 137 of the TTN gene, results from a G to T substitution at nucleotide position 37690. This changes the amino acid from a glutamic acid to a stop codon within coding exon 137. This exon is located in the A-band region of the N2-B isoform of the titin protein and is constitutively expressed in TTN transcripts (percent spliced in or PSI 100%). This variant was reported in individual(s) with features consistent with dilated cardiomyopathy (Ambry internal data). This variant is considered to be rare based on population cohorts in the Genome Aggregation Database (gnomAD). This variant is expected to result in loss of function by premature protein truncation or nonsense-mediated mRNA decay. While truncating variants in TTN are present in 1-3% of the general population, truncating variants in the A-band are the most common cause of dilated cardiomyopathy (Herman DS et al. N. Engl. J. Med., 2012 Feb;366:619-28; Roberts AM et al. Sci Transl Med, 2015 Jan;7:270ra6). TTN truncating variants encoded in constitutive exons (PSI >90%) have been found to be significantly associated with DCM regardless of their position in titin (Schafer S et al. Nat. Genet., 2017 01;49:46-53; Akhtar MM et al. Circ Heart Fail, 2020 Oct;13:e006832; Massier M et al. Clin Genet, 2025 Jan). Based on the majority of available evidence to date, this variant is likely to be pathogenic.